The following is an entry in ClinVar:

NM_001048174.2(MUTYH):c.1059G>C (p.Gly353=)

Gene: MUTYH (mutY DNA glycosylase; minus strand). Cytogenetic location: 1p34.1.
Variant type: single nucleotide variant.
Coding change: c.1059G>C on transcript NM_001048174.2 (MANE Select); coding-DNA position 1059, G replaced by C.
Protein change: p.Gly353=; no amino-acid change (glycine 353 retained).
Molecular consequence: synonymous variant. On other transcripts: non-coding transcript variant (2).
Genome position (GRCh38, 1-based): chr1:45,331,704, C>G on the plus strand (G>C on the coding strand, the complement: MUTYH is on the minus strand). VCF-style: chr1-45331704-C-G. GRCh37 (hg19) VCF-style: chr1-45797376-C-G.
Other names: c.1059G>C, p.Gly353= (NM_001048171.2, NM_001048173.2, NM_001293195.2); c.1062G>C, p.Gly354= (NM_001048172.2); c.1143G>C, p.Gly381= (NM_001128425.2); c.1104G>C, p.Gly368= (NM_001293190.2); c.1092G>C, p.Gly364= (NM_001293191.2); c.783G>C, p.Gly261= (NM_001293192.2, NM_001293196.2); c.714G>C, p.Gly238= (NM_001350650.2, NM_001350651.2); c.1134G>C, p.Gly378= (NM_012222.3).
Identifiers: ClinVar variation 492000 (VCV000492000.14), dbSNP rs749471975, ClinGen allele CA055209.

ClinVar aggregate classification (germline): Likely benign. Review status: criteria provided, multiple submitters, no conflicts (2 of 4 stars). 4 submissions from 4 submitters: Likely benign (4). Last evaluated 2024-03-05.

Conditions:
Hereditary cancer-predisposing syndrome. Also called: Hereditary neoplastic syndrome; Hereditary Cancer Syndrome; Neoplastic Syndromes, Hereditary; Tumor predisposition. Identifiers: Orphanet 140162, MedGen C0027672, MeSH D009386, MONDO:0015356.
Familial adenomatous polyposis 2. Also called: MYH-associated polyposis; COLORECTAL ADENOMATOUS POLYPOSIS, AUTOSOMAL RECESSIVE; ADENOMAS, MULTIPLE COLORECTAL, AUTOSOMAL RECESSIVE; MUTYH-related attenuated familial adenomatous polyposis; Adenomas, multiple colorectal; FAP type 2. Identifiers: Orphanet 220460, Orphanet 247798, MedGen C3272841, MONDO:0012041, OMIM 608456.

Allele frequency attached by ClinVar (database versions not stated): gnomAD exomes below 0.00001 and 0.00001; ExAC 0.00002.
gnomAD v4.1: 6 of 1,614,140 alleles (0.00037%); highest among the groups gnomAD compares: Non-Finnish European, 0.00051%; no homozygotes.

Submissions (4):

All of Us Research Program, National Institutes of Health
Classification: Likely benign for Familial adenomatous polyposis 2. Last evaluated: 2024-03-05. Review status: criteria provided, single submitter. Criteria: ACMG Guidelines, 2015. Collection method: clinical testing. Allele origin: germline. Inheritance: Autosomal recessive inheritance. Observed: 1 variant allele, 1 heterozygote.
Comment: This study involves interpretation of variants in research participants for the purpose of population health screening. Participant phenotype was not available at the time of variant classification. Additional details can be found in publication PMID: 35346344, PMCID: PMC8962531

Ambry Genetics
Classification: Likely benign for Hereditary cancer-predisposing syndrome. Last evaluated: 2023-12-10. Review status: criteria provided, single submitter. Criteria: Ambry Variant Classification Scheme 2023. Collection method: clinical testing. Allele origin: germline.

Labcorp Genetics (formerly Invitae), Labcorp
Classification: Likely benign for Familial adenomatous polyposis 2. Last evaluated: 2023-05-20. Review status: criteria provided, single submitter. Criteria: Invitae Variant Classification Sherloc (09022015). Collection method: clinical testing. Allele origin: germline.

Color Diagnostics, LLC DBA Color Health
Classification: Likely benign for Hereditary cancer-predisposing syndrome. Last evaluated: 2017-03-28. Review status: criteria provided, single submitter. Criteria: ACMG Guidelines, 2015. Collection method: clinical testing. Allele origin: germline.